The following is an entry in ClinVar:

NM_014989.7(RIMS1):c.55A>G (p.Met19Val)

Gene: RIMS1 (regulating synaptic membrane exocytosis 1; plus strand). Cytogenetic location: 6q13.
Variant type: single nucleotide variant.
Coding change: c.55A>G on transcript NM_014989.7 (MANE Select); coding-DNA position 55, A replaced by G.
Protein change: p.Met19Val; replaces methionine 19 with valine.
Molecular consequence: missense variant.
Genome position (GRCh38, 1-based): chr6:71,887,078, A>G. VCF-style: chr6-71887078-A-G. GRCh37 (hg19) VCF-style: chr6-72596781-A-G.
Other names: c.55A>G, p.Met19Val (NM_001350411.1, NM_001350412.1, NM_001350413.1); short protein forms M19V.
Identifiers: ClinVar variation 5020619 (VCV005020619.1).
Genomic context (GRCh38, chr6:71,887,078, plus strand): 5'-ACGAAAATGTCCTCGGCCGTGGGGCCCCGCGGTCCTCGCCCACCCACGGTGCCTCCCCCC[A>G]TGCAAGAGCTGCCCGACCTGAGCCACCTGACCGAAGAGGAGAGGAACATTATCATGGCAG-3'
Protein context (NP_055804.2, residues 9-29): GPRPPTVPPP[Met19Val]QELPDLSHLT

ClinVar aggregate classification (germline): Uncertain significance (1 of 4 stars; one submission).

Submission:

Dasa
Classification: Uncertain significance. Last evaluated: 2026-05-05. Review status: criteria provided, single submitter. Criteria: DASA Assertion Criteria. Collection method: clinical testing. Allele origin: germline.
Comment: NM_014989.7(RIMS1):c.55A>G (p.Met19Val) is a missense variant that results in the substitution of methionine with valine. This variant is rare in population databases. Computational prediction algorithms are consistent with a benign effect. The currently available literature and clinical evidence are not sufficient to establish a definitive association between this variant and the reported condition. Therefore, this variant is classified as a variant of uncertain significance.